The following is an entry in ClinVar:

NM_003060.4(SLC22A5):c.394-16T>A

Gene: SLC22A5 (solute carrier family 22 member 5; plus strand). Cytogenetic location: 5q31.1.
Variant type: single nucleotide variant.
Coding change: c.394-16T>A on transcript NM_003060.4 (MANE Select); 16 bases into the intron before coding-DNA position 394, T replaced by A.
Molecular consequence: intron variant.
Genome position (GRCh38, 1-based): chr5:132,378,362, T>A. VCF-style: chr5-132378362-T-A. GRCh37 (hg19) VCF-style: chr5-131714054-T-A.
Other names: c.466-16T>A (NM_001308122.2).
Identifiers: ClinVar variation 460407 (VCV000460407.62), dbSNP rs775097754, ClinGen allele CA3403879.

ClinVar aggregate classification (germline): Conflicting classifications of pathogenicity. Review status: criteria provided, conflicting classifications (1 of 4 stars). 9 submissions from 9 submitters: Pathogenic (1); Likely pathogenic (4); Uncertain significance (3). 1 of the submissions does not count toward it. Last evaluated 2026-09-01.

Conditions:
Carnitine deficiency. Identifiers: MedGen C1142132.
SLC22A5-related disorder. Also called: SLC22A5-related condition.
Renal carnitine transport defect (CDSP). Also called: Systemic primary carnitine deficiency; CARNITINE DEFICIENCY, SYSTEMIC, DUE TO DEFECT IN RENAL REABSORPTION OF CARNITINE; CARNITINE TRANSPORTER, PLASMA-MEMBRANE, DEFICIENCY OF; CARNITINE UPTAKE DEFECT; Primary carnitine deficiency; Carnitine transporter deficiency. Identifiers: Orphanet 158, MedGen C0342788, MONDO:0008919, OMIM 212140.

Allele frequency attached by ClinVar (database versions not stated): gnomAD 0.00001 and 0.00002; TOPMed 0.00002; ExAC 0.00003; gnomAD exomes 0.00004.
gnomAD v4.1: 24 of 1,613,198 alleles (0.0015%); highest among the groups gnomAD compares: Middle Eastern, 0.033%; no homozygotes.

Submissions (9):

CeGaT Center for Human Genetics Tuebingen
Classification: Uncertain significance. Last evaluated: 2026-09-01. Review status: criteria provided, single submitter. Criteria: CeGaT Center For Human Genetics Tuebingen Variant Classification Criteria Version 2. Collection method: clinical testing. Allele origin: germline. Affected: yes. Observed: 5 variant alleles.
Comment: SLC22A5: PM2, PM3:Supporting, PP4

Labcorp Genetics (formerly Invitae), Labcorp
Classification: Pathogenic for Renal carnitine transport defect. Last evaluated: 2025-12-02. Review status: criteria provided, single submitter. Criteria: Invitae Variant Classification Sherloc (09022015). Collection method: clinical testing. Allele origin: germline.
Comment: This sequence change falls in intron 1 of the SLC22A5 gene. It does not directly change the encoded amino acid sequence of the SLC22A5 protein. This variant is present in population databases (rs775097754, gnomAD 0.02%). This variant has been observed in individual(s) with primary carnitine deficiency (PMID: 21922592). In at least one individual the data is consistent with being in trans (on the opposite chromosome) from a pathogenic variant. ClinVar contains an entry for this variant (Variation ID: 460407). Algorithms developed to predict the effect of sequence changes on RNA splicing suggest that this variant is not likely to affect RNA splicing. For these reasons, this variant has been classified as Pathogenic.

PreventionGenetics, part of Exact Sciences
Classification: Likely pathogenic for SLC22A5-related condition. Last evaluated: 2025-02-19. Review status: criteria provided, single submitter. Criteria: ACMG Guidelines, 2015. Collection method: clinical testing. Allele origin: germline.
Comment: The SLC22A5 c.394-16T>A variant is predicted to interfere with splicing. This variant has been reported with another loss-of-function SLC22A5 variant in an individual with biochemical features consistent with primary carnitine deficiency (Frigeni et al. 2017. PubMed ID: 28841266). This variant has also been reported in the apparent heterozygous state in two individuals with abnormal newborn screening results for primary carnitine deficiency (Rose et al. 2012. PubMed ID: 21922592; Schiergens et al. 2021. PubMed ID: 34178604).This variant is reported in 0.020% of alleles in individuals of South Asian descent in gnomAD. We classify this variant as likely pathogenic.

Natera, Inc.
Classification: Likely pathogenic for Carnitine deficiency. Last evaluated: 2024-12-17. Review status: criteria provided, single submitter. Criteria: Natera Variant Classification Schema (03/2026). Collection method: clinical testing. Allele origin: germline.
Comment: The c.394-16T>A variant in SLC22A5 is an intronic variant located outside the canonical splice sites. This variant is rare in the general population with a frequency below the threshold expected for the associated phenotype(s). This variant has been observed in one or more individuals affected with the associated recessive disease, as either homozygous or compound heterozygous with a second variant (PMID: 32793418). This variant has been identified in one or more affected individuals with a phenotype highly consistent with the associated gene (PMID: 32793418). Computational prediction algorithms indicate this variant is likely to affect gene or protein function. Given the available evidence, this variant is classified as Likely Pathogenic.

Blueprint Genetics
Classification: Uncertain significance. Last evaluated: 2024-11-26. Review status: criteria provided, single submitter. Criteria: ACMG Guidelines, 2015. Collection method: clinical testing. Allele origin: germline.

Women's Health and Genetics/Laboratory Corporation of America, LabCorp
Classification: Likely pathogenic for Renal carnitine transport defect. Last evaluated: 2021-10-21. Review status: criteria provided, single submitter. Criteria: LabCorp Variant Classification Summary - May 2015. Collection method: clinical testing. Allele origin: germline.
Comment: Variant summary: SLC22A5 c.394-16T>A alters a non-conserved nucleotide located close to a canonical splice site and therefore could affect mRNA splicing, leading to a significantly altered protein sequence. 4/4 computational tools predict no significant impact on normal splicing. However, these predictions have yet to be confirmed by functional studies. The variant allele was found at a frequency of 4e-05 in 251494 control chromosomes (gnomAD). This frequency is not higher than expected for a pathogenic variant in SLC22A5 causing Systemic Primary Carnitine Deficiency (4e-05 vs 0.0046), allowing no conclusion about variant significance. c.394-16T>A has been reported in the literature in at-least one asymptomatic woman in a study evaluating asymptomatic mothers with primary carnitine deficiency identified by low carnitine levels in their infant by newborn screening (Rose_2012) and one comprehensively genotyped individual affected with Systemic Primary Carnitine Deficiency (Frigeni_2017) and subsequently cited by others (Longo_2016). The affected individual reported by Frigeni_2017 harbored a pathogenic variant on the second allele and had a significantly reduced carnitine transport activity in fibroblasts. Additionally, the variant has also been observed in two individuals with reduced serum/plasma carnitine levels, one heterozygous (Schiergens_2021) and one compound heterozygous for this variant along with another pathogenic variant (Maguolo_2020). These data indicate that the variant may be associated with disease. To our knowledge, no experimental evidence demonstrating an impact on protein function has been reported. Four clinical diagnostic laboratories have submitted clinical-significance assessments for this variant to ClinVar after 2014 and classified the variant as uncertain significance (n=3) and pathogenic (n=1). Based on the evidence outlined above, the variant was classified as likely pathogenic.

Genome-Nilou Lab
Classification: Likely pathogenic for Renal carnitine transport defect. Last evaluated: 2021-07-15. Review status: criteria provided, single submitter. Criteria: ACMG Guidelines, 2015. Collection method: clinical testing. Allele origin: germline. Affected: no.

GeneDx
Classification: Uncertain significance. Last evaluated: 2021-06-29. Review status: criteria provided, single submitter. Criteria: GeneDx Variant Classification Process June 2021. Collection method: clinical testing. Allele origin: germline. Affected: yes.
Comment: In silico analysis supports that this variant does not alter splicing; This variant is associated with the following publications: (PMID: 28841266, 32793418, 34178604, 27535533, 26828774, 21922592)

Counsyl
Classification: Uncertain significance for Renal carnitine transport defect. Last evaluated: 2018-04-12. Review status: no assertion criteria provided. Collection method: clinical testing. Allele origin: unknown. Not counted in ClinVar's aggregate classification.

Literature cited by the submitters: PubMed 21922592 (cited by 3 submitters); PubMed 32793418 (cited by Natera, Inc. and Women's Health and Genetics/Laboratory Corporation of America, LabCorp); PubMed 26828774 (cited by Women's Health and Genetics/Laboratory Corporation of America, LabCorp); PubMed 28841266 (cited by Women's Health and Genetics/Laboratory Corporation of America, LabCorp and Counsyl); PubMed 34178604 (cited by Women's Health and Genetics/Laboratory Corporation of America, LabCorp).